The following is an entry in ClinVar:

NM_000921.5(PDE3A):c.1952G>C (p.Arg651Thr)

Gene: PDE3A (phosphodiesterase 3A; plus strand). Cytogenetic location: 12p12.2.
Variant type: single nucleotide variant.
Coding change: c.1952G>C on transcript NM_000921.5 (MANE Select); coding-DNA position 1952, G replaced by C.
Protein change: p.Arg651Thr; replaces arginine 651 with threonine.
Molecular consequence: missense variant.
Genome position (GRCh38, 1-based): chr12:20,635,007, G>C. VCF-style: chr12-20635007-G-C. GRCh37 (hg19) VCF-style: chr12-20787941-G-C.
Other names: c.986G>C, p.Arg329Thr (NM_001244683.2, NM_001378409.1); c.1646G>C, p.Arg549Thr (NM_001378407.1); c.989G>C, p.Arg330Thr (NM_001378408.1); short protein forms R330T, R329T, R549T, R651T.
Identifiers: ClinVar variation 4705372 (VCV004705372.1).

ClinVar aggregate classification (germline): Uncertain significance (1 of 4 stars; one submission).

gnomAD v4.1: 3 of 1,613,610 alleles (0.00019%); highest among the groups gnomAD compares: African/African-American, 0.004%; no homozygotes.

Submission:

Labcorp Genetics (formerly Invitae), Labcorp
Classification: Uncertain significance. Last evaluated: 2025-10-09. Review status: criteria provided, single submitter. Criteria: Invitae Variant Classification Sherloc (09022015). Collection method: clinical testing. Allele origin: germline.
Comment: This sequence change replaces arginine, which is basic and polar, with threonine, which is neutral and polar, at codon 651 of the PDE3A protein (p.Arg651Thr). This variant is not present in population databases (gnomAD no frequency). This variant has not been reported in the literature in individuals affected with PDE3A-related conditions. An algorithm developed to predict the effect of missense changes on protein structure and function (PolyPhen-2) suggests that this variant is likely to be tolerated. In summary, the available evidence is currently insufficient to determine the role of this variant in disease. Therefore, it has been classified as a Variant of Uncertain Significance.